The following is an entry in ClinVar:

ClinVar aggregate classification (germline): Uncertain significance. Review status: criteria provided, multiple submitters, no conflicts (2 of 4 stars). 3 submissions from 3 submitters: Uncertain significance (3). Last evaluated 2025-10-02.

Conditions:
Inborn genetic diseases. Identifiers: MedGen C0950123, MeSH D030342.
Congenital myasthenic syndrome 8. Also called: Myasthenic syndrome, congenital, 8, with pre- and postsynaptic defects; MYASTHENIC SYNDROME, CONGENITAL, DUE TO AGRIN DEFICIENCY. Identifiers: Orphanet 590, MedGen C3808739, MONDO:0014052, OMIM 615120.

Allele frequency attached by ClinVar (database versions not stated): gnomAD 0.00005; TOPMed 0.00007; ESP Exome Variant Server 0.00008.
gnomAD v4.1: 36 of 1,587,940 alleles (0.0023%); highest among the groups gnomAD compares: East Asian, 0.016%; no homozygotes.

Submissions (3):

Labcorp Genetics (formerly Invitae), Labcorp
Classification: Uncertain significance for Congenital myasthenic syndrome 8. Last evaluated: 2025-10-02. Review status: criteria provided, single submitter. Criteria: Invitae Variant Classification Sherloc (09022015). Collection method: clinical testing. Allele origin: germline.
Comment: This sequence change replaces arginine, which is basic and polar, with histidine, which is basic and polar, at codon 1529 of the AGRN protein (p.Arg1529His). This variant is present in population databases (rs369873010, gnomAD 0.04%). This variant has not been reported in the literature in individuals affected with AGRN-related conditions. ClinVar contains an entry for this variant (Variation ID: 666072). An algorithm developed to predict the effect of missense changes on protein structure and function (PolyPhen-2) suggests that this variant is likely to be disruptive. In summary, the available evidence is currently insufficient to determine the role of this variant in disease. Therefore, it has been classified as a Variant of Uncertain Significance.

Ambry Genetics
Classification: Uncertain significance for Inborn genetic diseases. Last evaluated: 2024-12-10. Review status: criteria provided, single submitter. Criteria: Ambry Variant Classification Scheme 2023. Collection method: clinical testing. Allele origin: germline.

Revvity Omics, Revvity
Classification: Uncertain significance for Congenital myasthenic syndrome 8. Last evaluated: 2024-07-02. Review status: criteria provided, single submitter. Criteria: ACMG Guidelines, 2015. Collection method: clinical testing. Allele origin: germline.

NM_198576.4(AGRN):c.4586G>A (p.Arg1529His)

Gene: AGRN (agrin; plus strand). Cytogenetic location: 1p36.33.
Variant type: single nucleotide variant.
Coding change: c.4586G>A on transcript NM_198576.4 (MANE Select); coding-DNA position 4586, G replaced by A.
Protein change: p.Arg1529His; replaces arginine 1529 with histidine.
Molecular consequence: missense variant.
Genome position (GRCh38, 1-based): chr1:1,049,637, G>A. VCF-style: chr1-1049637-G-A. GRCh37 (hg19) VCF-style: chr1-985017-G-A.
Other names: c.4586G>A, p.Arg1529His (NM_001305275.2); c.4271G>A, p.Arg1424His (NM_001364727.2); short protein forms R1424H, R1529H.
Identifiers: ClinVar variation 666072 (VCV000666072.10), dbSNP rs369873010, ClinGen allele CA509540.
Genomic context (GRCh38, chr1:1,049,637, plus strand): 5'-GGACCTTCGTGGGCGCCGGCCTGAGGGGGTGCATCCGTTTGCTGGACGTCAACAACCAGC[G>A]CCTGGAGCTTGGCATTGGGCCGGGGGCTGCCACCCGAGGCTCTGGCGTGGGCGAGTGCGG-3'
Protein context (NP_940978.2, residues 1519-1539): CIRLLDVNNQ[Arg1529His]LELGIGPGAA